The following is an entry in ClinVar:

NM_001347721.2(DYRK1A):c.1066A>C (p.Asn356His)

Gene: DYRK1A (dual specificity tyrosine phosphorylation regulated kinase 1A; plus strand). Cytogenetic location: 21q22.13.
Variant type: single nucleotide variant.
Coding change: c.1066A>C on transcript NM_001347721.2 (MANE Select); coding-DNA position 1066, A replaced by C.
Protein change: p.Asn356His; replaces asparagine 356 with histidine.
Molecular consequence: missense variant.
Genome position (GRCh38, 1-based): chr21:37,493,158, A>C. VCF-style: chr21-37493158-A-C. GRCh37 (hg19) VCF-style: chr21-38865460-A-C.
Other names: c.1066A>C, p.Asn356His (NM_001347722.2, NM_130436.2); c.979A>C, p.Asn327His (NM_001347723.2); c.1093A>C, p.Asn365His (NM_001396.5, NM_101395.2, NM_130438.2); short protein forms N327H, N356H, N365H.
Identifiers: ClinVar variation 3661442 (VCV003661442.2).
Genomic context (GRCh38, chr21:37,493,158, plus strand): 5'-TGGTCCCTCGGGTGTATTTTGGTTGAAATGCACACTGGAGAACCTCTGTTCAGTGGTGCC[A>C]ATGAGGTAAATGATGTATTGCTTTACAAATTCTGTTTTCATAATTTCTTTTTGTCTTTCA-3'
Protein context (NP_001334650.1, residues 346-366): HTGEPLFSGA[Asn356His]EVDQMNKIVE

ClinVar aggregate classification (germline): Uncertain significance (1 of 4 stars; one submission).

Conditions:
DYRK1A-related intellectual disability syndrome (MRD7). Also called: Intellectual developmental disorder, autosomal dominant 7; DYRK1A Syndrome. Identifiers: Orphanet 464306, MedGen C5568143, MONDO:0013578, OMIM 614104.

Submission:

Labcorp Genetics (formerly Invitae), Labcorp
Classification: Uncertain significance for DYRK1A-related intellectual disability syndrome. Last evaluated: 2024-08-05. Review status: criteria provided, single submitter. Criteria: Invitae Variant Classification Sherloc (09022015). Collection method: clinical testing. Allele origin: germline.
Comment: This sequence change replaces asparagine, which is neutral and polar, with histidine, which is basic and polar, at codon 365 of the DYRK1A protein (p.Asn365His). This variant is not present in population databases (gnomAD no frequency). This variant has not been reported in the literature in individuals affected with DYRK1A-related conditions. Advanced modeling of protein sequence and biophysical properties (such as structural, functional, and spatial information, amino acid conservation, physicochemical variation, residue mobility, and thermodynamic stability) performed at Invitae indicates that this missense variant is not expected to disrupt DYRK1A protein function with a negative predictive value of 80%. In summary, the available evidence is currently insufficient to determine the role of this variant in disease. Therefore, it has been classified as a Variant of Uncertain Significance.